The following is an entry in ClinVar:

NM_001377295.2(GNAT2):c.51G>T (p.Lys17Asn)

Gene: GNAT2 (G protein subunit alpha transducin 2; minus strand). Cytogenetic location: 1p13.3.
Variant type: single nucleotide variant.
Coding change: c.51G>T on transcript NM_001377295.2 (MANE Select); coding-DNA position 51, G replaced by T.
Protein change: p.Lys17Asn; replaces lysine 17 with asparagine.
Molecular consequence: missense variant.
Genome position (GRCh38, 1-based): chr1:109,612,820, C>A on the plus strand (G>T on the coding strand, the complement: GNAT2 is on the minus strand). VCF-style: chr1-109612820-C-A. GRCh37 (hg19) VCF-style: chr1-110155442-C-A.
Other names: c.51G>T, p.Lys17Asn (NM_001379232.1, NM_005272.5); short protein forms K17N.
Identifiers: ClinVar variation 2188299 (VCV002188299.4), dbSNP rs760450896, ClinGen allele CA992534.

ClinVar aggregate classification (germline): Uncertain significance. Review status: criteria provided, multiple submitters, no conflicts (2 of 4 stars). 2 submissions from 2 submitters: Uncertain significance (2). Last evaluated 2024-09-11.

Allele frequency attached by ClinVar (database versions not stated): gnomAD 0.00001; gnomAD exomes 0.00001; TOPMed 0.00001; ExAC 0.00005.
gnomAD v4.1: 18 of 1,613,654 alleles (0.0011%); highest among the groups gnomAD compares: Non-Finnish European, 0.0012%; no homozygotes.

Submissions (2):

Blueprint Genetics
Classification: Uncertain significance. Last evaluated: 2024-09-11. Review status: criteria provided, single submitter. Criteria: ACMG Guidelines, 2015. Collection method: clinical testing. Allele origin: germline.

Labcorp Genetics (formerly Invitae), Labcorp
Classification: Uncertain significance. Last evaluated: 2022-02-19. Review status: criteria provided, single submitter. Criteria: Invitae Variant Classification Sherloc (09022015). Collection method: clinical testing. Allele origin: germline.
Comment: Advanced modeling of protein sequence and biophysical properties (such as structural, functional, and spatial information, amino acid conservation, physicochemical variation, residue mobility, and thermodynamic stability) performed at Invitae indicates that this missense variant is not expected to disrupt GNAT2 protein function. In summary, the available evidence is currently insufficient to determine the role of this variant in disease. Therefore, it has been classified as a Variant of Uncertain Significance. This variant has not been reported in the literature in individuals affected with GNAT2-related conditions. This sequence change replaces lysine, which is basic and polar, with asparagine, which is neutral and polar, at codon 17 of the GNAT2 protein (p.Lys17Asn). This variant is present in population databases (rs760450896, gnomAD 0.004%).